The following is an entry in ClinVar:

NM_005506.4(SCARB2):c.580G>A (p.Asp194Asn)

Gene: SCARB2 (scavenger receptor class B member 2; minus strand). Cytogenetic location: 4q21.1.
Variant type: single nucleotide variant.
Coding change: c.580G>A on transcript NM_005506.4 (MANE Select); coding-DNA position 580, G replaced by A.
Protein change: p.Asp194Asn; replaces aspartic acid 194 with asparagine.
Molecular consequence: missense variant. On other transcripts: intron variant (1).
Genome position (GRCh38, 1-based): chr4:76,179,549, C>T on the plus strand (G>A on the coding strand, the complement: SCARB2 is on the minus strand). VCF-style: chr4-76179549-C-T. GRCh37 (hg19) VCF-style: chr4-77100702-C-T.
Other names: c.276-3639G>A (NM_001204255.2); short protein forms D194N.
Identifiers: ClinVar variation 462926 (VCV000462926.17), dbSNP rs773017713, ClinGen allele CA2970310.
Genomic context (GRCh38, chr4:76,179,549, plus strand): 5'-GAGGTTCTGAAAAGAAAAATCTACTTACCTCATAGAATAGGCCAAAATAGGGAGAGATAT[C>T]GGGCCTGAAAACATGGATAAGGGACAAGATTTCATCTTTGTAGCCCCAGAGCAATTCGTC-3'
Protein context (NP_005497.1, residues 184-204): ILSLIHVFRP[Asp194Asn]ISPYFGLFYE

ClinVar aggregate classification (germline): Conflicting classifications of pathogenicity. Review status: criteria provided, conflicting classifications (1 of 4 stars). 4 submissions from 4 submitters: Uncertain significance (3); Likely benign (1). Last evaluated 2024-12-23.

Conditions:
Action myoclonus-renal failure syndrome. Also called: MYOCLONUS-NEPHROPATHY SYNDROME; SCARB2-Related Action Myoclonus-Renal Failure Syndrome; EPILEPSY, PROGRESSIVE MYOCLONIC, 4, WITH RENAL FAILURE; EPILEPSY, PROGRESSIVE MYOCLONIC, 4, WITHOUT RENAL FAILURE. Identifiers: Orphanet 163696, MedGen C0751779, MeSH D020191, MONDO:0009699, OMIM 254900.
Progressive myoclonic epilepsy. Also called: Familial progressive myoclonic epilepsy; Myoclonus epilepsy; Progressive myoclonus epilepsy; Myoclonic Epilepsies, Progressive. Identifiers: Orphanet 308, Orphanet 98261, MedGen C0751778, MONDO:0020074.

Allele frequency attached by ClinVar (database versions not stated): gnomAD exomes 0.00003 and 0.00018; gnomAD 0.00009; TOPMed 0.00015; ExAC 0.00021.
gnomAD v4.1: 61 of 1,614,044 alleles (0.0038%); highest among the groups gnomAD compares: East Asian, 0.1%; no homozygotes.

Submissions (4):

Labcorp Genetics (formerly Invitae), Labcorp
Classification: Likely benign for Progressive myoclonic epilepsy. Last evaluated: 2024-12-23. Review status: criteria provided, single submitter. Criteria: Invitae Variant Classification Sherloc (09022015). Collection method: clinical testing. Allele origin: germline.

Fulgent Genetics
Classification: Uncertain significance for Action myoclonus-renal failure syndrome. Last evaluated: 2024-05-17. Review status: criteria provided, single submitter. Criteria: ACMG Guidelines, 2015. Collection method: clinical testing. Allele origin: germline.

Revvity Omics, Revvity
Classification: Uncertain significance for Action myoclonus-renal failure syndrome. Last evaluated: 2020-03-12. Review status: criteria provided, single submitter. Criteria: ACMG Guidelines, 2015. Collection method: clinical testing. Allele origin: germline.

GeneDx
Classification: Uncertain significance. Last evaluated: 2019-03-25. Review status: criteria provided, single submitter. Criteria: GeneDx Variant Classification Process June 2021. Collection method: clinical testing. Allele origin: germline. Affected: yes.
Comment: Has not been previously published as pathogenic or benign to our knowledge; In silico analysis, which includes protein predictors and evolutionary conservation, supports that this variant does not alter protein structure/function